The following is an entry in ClinVar:

NM_000038.6(APC):c.7009A>C (p.Ser2337Arg)

Gene: APC (APC regulator of Wnt signaling pathway; plus strand). Cytogenetic location: 5q22.2.
Variant type: single nucleotide variant.
Coding change: c.7009A>C on transcript NM_000038.6 (MANE Select); coding-DNA position 7009, A replaced by C.
Protein change: p.Ser2337Arg; replaces serine 2337 with arginine.
Molecular consequence: missense variant.
Genome position (GRCh38, 1-based): chr5:112,842,603, A>C. VCF-style: chr5-112842603-A-C. GRCh37 (hg19) VCF-style: chr5-112178300-A-C.
Other names: c.7009A>C, p.Ser2337Arg (NM_001127510.3, NM_001354895.2); c.6955A>C, p.Ser2319Arg (NM_001127511.3); c.7063A>C, p.Ser2355Arg (NM_001354896.2); c.7039A>C, p.Ser2347Arg (NM_001354897.2); c.6934A>C, p.Ser2312Arg (NM_001354898.2); c.6925A>C, p.Ser2309Arg (NM_001354899.2); c.6886A>C, p.Ser2296Arg (NM_001354900.2); c.6832A>C, p.Ser2278Arg (NM_001354901.2); and 5 more; short protein forms S2319R, S2337R, S2177R, S2355R, S2054R, S2246R, S2309R, S2211R.
Identifiers: ClinVar variation 537481 (VCV000537481.20), dbSNP rs1554087905, ClinGen allele CA16036609.

ClinVar aggregate classification (germline): Uncertain significance. Review status: criteria provided, multiple submitters, no conflicts (2 of 4 stars). 4 submissions from 4 submitters: Uncertain significance (4). Last evaluated 2026-01-26.

Conditions:
Hereditary cancer-predisposing syndrome. Also called: Tumor predisposition; Hereditary Cancer Syndrome; Hereditary neoplastic syndrome; Neoplastic Syndromes, Hereditary. Identifiers: Orphanet 140162, MedGen C0027672, MeSH D009386, MONDO:0015356.
Familial adenomatous polyposis 1 (FAP1). Also called: FAMILIAL ADENOMATOUS POLYPOSIS 1, ATTENUATED; POLYPOSIS, ADENOMATOUS INTESTINAL. Identifiers: MedGen C2713442, MONDO:0021056, OMIM 175100. Disease mechanism: loss of function.

Allele frequency attached by ClinVar (database versions not stated): gnomAD exomes below 0.00001; TOPMed 0.00001.
gnomAD v4.1: 1 of 1,613,826 alleles (0.000062%); highest among the groups gnomAD compares: South Asian, 0.0011%; no homozygotes.

Submissions (4):

Labcorp Genetics (formerly Invitae), Labcorp
Classification: Uncertain significance for Familial adenomatous polyposis 1. Last evaluated: 2026-01-26. Review status: criteria provided, single submitter. Criteria: Invitae Variant Classification Sherloc (09022015). Collection method: clinical testing. Allele origin: germline.
Comment: This sequence change replaces serine, which is neutral and polar, with arginine, which is basic and polar, at codon 2337 of the APC protein (p.Ser2337Arg). This variant is not present in population databases (gnomAD no frequency). This variant has not been reported in the literature in individuals affected with APC-related conditions. ClinVar contains an entry for this variant (Variation ID: 537481). Invitae Evidence Modeling of protein sequence and biophysical properties (such as structural, functional, and spatial information, amino acid conservation, physicochemical variation, residue mobility, and thermodynamic stability) indicates that this missense variant is not expected to disrupt APC protein function with a negative predictive value of 95%. In summary, the available evidence is currently insufficient to determine the role of this variant in disease. Therefore, it has been classified as a Variant of Uncertain Significance.

Ambry Genetics
Classification: Uncertain significance for Hereditary cancer-predisposing syndrome. Last evaluated: 2024-07-09. Review status: criteria provided, single submitter. Criteria: Ambry Variant Classification Scheme 2023. Collection method: clinical testing. Allele origin: germline.
Comment: The p.S2337R variant (also known as c.7009A>C), located in coding exon 15 of the APC gene, results from an A to C substitution at nucleotide position 7009. The serine at codon 2337 is replaced by arginine, an amino acid with dissimilar properties. This amino acid position is highly conserved in available vertebrate species. In addition, in silico predictors for this gene do not accurately predict pathogenicity. Since supporting evidence is limited at this time, the clinical significance of this alteration remains unclear.

GeneDx
Classification: Uncertain significance. Last evaluated: 2024-05-17. Review status: criteria provided, single submitter. Criteria: GeneDx Variant Classification Process June 2021. Collection method: clinical testing. Allele origin: germline. Affected: yes.
Comment: Not observed at significant frequency in large population cohorts (gnomAD); In silico analysis supports that this missense variant does not alter protein structure/function; Has not been previously published as pathogenic or benign to our knowledge; This variant is associated with the following publications: (PMID: 18199528)

Quest Diagnostics Nichols Institute San Juan Capistrano
Classification: Uncertain significance. Last evaluated: 2020-09-14. Review status: criteria provided, single submitter. Criteria: Quest Diagnostics criteria. Collection method: clinical testing. Allele origin: unknown.